The following is an entry in ClinVar:

NM_015346.4(ZFYVE26):c.3139+1G>T

Gene: ZFYVE26 (zinc finger FYVE-type containing 26; minus strand). Cytogenetic location: 14q24.1.
Variant type: single nucleotide variant.
Coding change: c.3139+1G>T on transcript NM_015346.4 (MANE Select); the canonical splice donor site of the intron after coding-DNA position 3139, G replaced by T.
Molecular consequence: splice donor variant.
Genome position (GRCh38, 1-based): chr14:67,786,113, C>A on the plus strand (G>T on the coding strand, the complement: ZFYVE26 is on the minus strand). VCF-style: chr14-67786113-C-A. GRCh37 (hg19) VCF-style: chr14-68252830-C-A.
Identifiers: ClinVar variation 1511651 (VCV001511651.6), dbSNP rs137907310, ClinGen allele CA390172909.

ClinVar aggregate classification (germline): Likely pathogenic (1 of 4 stars; one submission).

Conditions:
Spastic paraplegia. Identifiers: MedGen C0037772, HP:0001258.

Submission:

Labcorp Genetics (formerly Invitae), Labcorp
Classification: Likely pathogenic for Spastic paraplegia. Last evaluated: 2024-01-16. Review status: criteria provided, single submitter. Criteria: Invitae Variant Classification Sherloc (09022015). Collection method: clinical testing. Allele origin: germline.
Comment: This sequence change affects a donor splice site in intron 17 of the ZFYVE26 gene. It is expected to disrupt RNA splicing. Variants that disrupt the donor or acceptor splice site typically lead to a loss of protein function (PMID: 16199547), and loss-of-function variants in ZFYVE26 are known to be pathogenic (PMID: 18394578, 19805727). This variant is not present in population databases (gnomAD no frequency). This variant has not been reported in the literature in individuals affected with ZFYVE26-related conditions. ClinVar contains an entry for this variant (Variation ID: 1511651). Algorithms developed to predict the effect of sequence changes on RNA splicing suggest that this variant may disrupt the consensus splice site. In summary, the currently available evidence indicates that the variant is pathogenic, but additional data are needed to prove that conclusively. Therefore, this variant has been classified as Likely Pathogenic.

Literature cited by the submitters: PubMed 16199547; PubMed 18394578; PubMed 19805727.